The following is an entry in ClinVar:

ClinVar aggregate classification (germline): Uncertain significance (1 of 4 stars; one submission).

Conditions:
Charcot-Marie-Tooth disease axonal type 2O. Also called: CHARCOT-MARIE-TOOTH NEUROPATHY, AXONAL, TYPE 2O; CHARCOT-MARIE-TOOTH DISEASE, AXONAL, AUTOSOMAL DOMINANT, TYPE 2O; Charcot-Marie-Tooth Neuropathy Type 2O; Charcot-Marie-Tooth disease, axonal, type 20. Identifiers: Orphanet 284232, MedGen C3280220, MONDO:0013644, OMIM 614228.

gnomAD v4.1: 12 of 1,614,082 alleles (0.00074%); highest among the groups gnomAD compares: Non-Finnish European, 0.00076%; no homozygotes.

Submission:

Labcorp Genetics (formerly Invitae), Labcorp
Classification: Uncertain significance for Charcot-Marie-Tooth disease axonal type 2O. Last evaluated: 2024-03-07. Review status: criteria provided, single submitter. Criteria: Invitae Variant Classification Sherloc (09022015). Collection method: clinical testing. Allele origin: germline.
Comment: This sequence change replaces arginine, which is basic and polar, with glutamine, which is neutral and polar, at codon 3191 of the DYNC1H1 protein (p.Arg3191Gln). This variant is present in population databases (no rsID available, gnomAD no frequency). This variant has not been reported in the literature in individuals affected with DYNC1H1-related conditions. Advanced modeling of protein sequence and biophysical properties (such as structural, functional, and spatial information, amino acid conservation, physicochemical variation, residue mobility, and thermodynamic stability) has been performed at Invitae for this missense variant, however the output from this modeling did not meet the statistical confidence thresholds required to predict the impact of this variant on DYNC1H1 protein function. In summary, the available evidence is currently insufficient to determine the role of this variant in disease. Therefore, it has been classified as a Variant of Uncertain Significance.

NM_001376.5(DYNC1H1):c.9572G>A (p.Arg3191Gln)

Gene: DYNC1H1 (dynein cytoplasmic 1 heavy chain 1; plus strand). Cytogenetic location: 14q32.31.
Variant type: single nucleotide variant.
Coding change: c.9572G>A on transcript NM_001376.5 (MANE Select); coding-DNA position 9572, G replaced by A.
Protein change: p.Arg3191Gln; replaces arginine 3191 with glutamine.
Molecular consequence: missense variant.
Genome position (GRCh38, 1-based): chr14:102,029,642, G>A. VCF-style: chr14-102029642-G-A. GRCh37 (hg19) VCF-style: chr14-102495979-G-A.
Other names: short protein forms R3191Q.
Identifiers: ClinVar variation 3711979 (VCV003711979.2).